The following is an entry in ClinVar:

NM_001276345.2(TNNT2):c.733G>A (p.Glu245Lys)

Gene: TNNT2 (troponin T2, cardiac type; minus strand). Cytogenetic location: 1q32.1.
Variant type: single nucleotide variant.
Coding change: c.733G>A on transcript NM_001276345.2 (MANE Select); coding-DNA position 733, G replaced by A.
Protein change: p.Glu245Lys; replaces glutamic acid 245 with lysine.
Molecular consequence: missense variant.
Genome position (GRCh38, 1-based): chr1:201,361,356, C>T on the plus strand (G>A on the coding strand, the complement: TNNT2 is on the minus strand). VCF-style: chr1-201361356-C-T. GRCh37 (hg19) VCF-style: chr1-201330484-C-T.
Other names: c.604G>A, p.Glu202Lys (NM_001276346.2); c.703G>A, p.Glu235Lys (NM_001276347.2, NM_001406724.1, NM_001001430.3); c.724G>A, p.Glu242Lys (NM_001406723.1, NM_000364.4); c.700G>A, p.Glu234Lys (NM_001406725.1); c.694G>A, p.Glu232Lys (NM_001406726.1, NM_001406727.1, NM_001001431.3); c.688G>A, p.Glu230Lys (NM_001406728.1); c.685G>A, p.Glu229Lys (NM_001001432.3); short protein forms E202K, E229K, E230K, E232K, E234K, E235K, E242K, E245K.
Identifiers: ClinVar variation 4074616 (VCV004074616.1).

ClinVar aggregate classification (germline): Uncertain significance (1 of 4 stars; one submission).

gnomAD v4.1: 2 of 1,614,176 alleles (0.00012%); highest among the groups gnomAD compares: Non-Finnish European, 0.000085%; no homozygotes.

Submission:

GeneDx
Classification: Uncertain significance. Last evaluated: 2025-02-05. Review status: criteria provided, single submitter. Criteria: GeneDx Variant Classification Process June 2021. Collection method: clinical testing. Allele origin: germline. Affected: yes.
Comment: Not observed at significant frequency in large population cohorts (gnomAD); In silico analysis supports that this missense variant has a deleterious effect on protein structure/function; Has not been previously published as pathogenic or benign to our knowledge